The following is an entry in ClinVar:

ClinVar aggregate classification (germline): Pathogenic (1 of 4 stars; one submission).

Submission:

Labcorp Genetics (formerly Invitae), Labcorp
Classification: Pathogenic. Last evaluated: 2023-01-20. Review status: criteria provided, single submitter. Criteria: Invitae Variant Classification Sherloc (09022015). Collection method: clinical testing. Allele origin: unknown.
Comment: For these reasons, this variant has been classified as Pathogenic. This variant disrupts a region of the ADAMTS17 protein in which other variant(s) (p.Cys1023Tyr) have been determined to be pathogenic (PMID: 32616716). This suggests that this is a clinically significant region of the protein, and that variants that disrupt it are likely to be disease-causing. This variant has not been reported in the literature in individuals affected with ADAMTS17-related conditions. This variant is a gross deletion of the genomic region encompassing exon(s) 19-22 of the ADAMTS17 gene, which includes the termination codon. This deletion extends beyond the assayed region for this gene and therefore may encompass additional genes. While this deletion is not anticipated to lead to nonsense mediated decay, it is expected to alter mRNA translation or result in a truncated protein product.

Literature cited by the submitters: PubMed 32616716.

NC_000015.9:g.(?_100514607)_(100537814_?)del

Gene: ADAMTS17 (ADAM metallopeptidase with thrombospondin type 1 motif 17; minus strand). Cytogenetic location: 15q26.3.
Variant type: Deletion.
Identifiers: ClinVar variation 3243916 (VCV003243916.1).